The following is an entry in ClinVar:

NM_000059.4(BRCA2):c.6152A>C (p.Asn2051Thr)

Gene: BRCA2 (BRCA2 DNA repair associated; plus strand). Cytogenetic location: 13q13.1.
Variant type: single nucleotide variant.
Coding change: c.6152A>C on transcript NM_000059.4 (MANE Select); coding-DNA position 6152, A replaced by C.
Protein change: p.Asn2051Thr; replaces asparagine 2051 with threonine.
Molecular consequence: missense variant.
Genome position (GRCh38, 1-based): chr13:32,340,507, A>C. VCF-style: chr13-32340507-A-C. GRCh37 (hg19) VCF-style: chr13-32914644-A-C.
Other names: short protein forms N2051T.
Identifiers: ClinVar variation 919090 (VCV000919090.9), dbSNP rs398122549, ClinGen allele CA387788292.

ClinVar aggregate classification (germline): Conflicting classifications of pathogenicity. Review status: criteria provided, conflicting classifications (1 of 4 stars). 3 submissions from 3 submitters: Uncertain significance (2); Likely benign (1). Last evaluated 2023-11-24.

Conditions:
Hereditary breast ovarian cancer syndrome. Also called: BRCA1- and BRCA2-Associated Hereditary Breast and Ovarian Cancer; Hereditary breast and ovarian cancer syndrome; Hereditary breast and ovarian cancer; Hereditary breast and ovarian cancer syndrome (HBOC); Breast and ovarian cancer; Hereditary breast and/or ovarian cancer syndrome. Identifiers: Orphanet 145, MedGen C0677776, MeSH D061325, MONDO:0003582. Disease mechanism: loss of function.
Hereditary cancer-predisposing syndrome. Also called: Neoplastic Syndromes, Hereditary; Tumor predisposition; Hereditary Cancer Syndrome; Hereditary neoplastic syndrome. Identifiers: Orphanet 140162, MedGen C0027672, MeSH D009386, MONDO:0015356.

Submissions (3):

Labcorp Genetics (formerly Invitae), Labcorp
Classification: Uncertain significance for Hereditary breast ovarian cancer syndrome. Last evaluated: 2023-11-24. Review status: criteria provided, single submitter. Criteria: Invitae Variant Classification Sherloc (09022015). Collection method: clinical testing. Allele origin: germline.
Comment: This sequence change replaces asparagine, which is neutral and polar, with threonine, which is neutral and polar, at codon 2051 of the BRCA2 protein (p.Asn2051Thr). This variant is not present in population databases (gnomAD no frequency). This variant has not been reported in the literature in individuals affected with BRCA2-related conditions. ClinVar contains an entry for this variant (Variation ID: 919090). Advanced modeling of protein sequence and biophysical properties (such as structural, functional, and spatial information, amino acid conservation, physicochemical variation, residue mobility, and thermodynamic stability) performed at Invitae indicates that this missense variant is not expected to disrupt BRCA2 protein function with a negative predictive value of 95%. In summary, the available evidence is currently insufficient to determine the role of this variant in disease. Therefore, it has been classified as a Variant of Uncertain Significance.

University of Washington Department of Laboratory Medicine, University of Washington
Classification: Likely benign for Hereditary cancer-predisposing syndrome. Last evaluated: 2023-03-23. Review status: criteria provided, single submitter. Criteria: Dines et al. (Genet Med. 2020). Collection method: curation. Allele origin: germline.
Comment: Missense variant in a coldspot region where missense variants are very unlikely to be pathogenic (PMID:31911673).

BRCA2 exon 11 coldspot. Reclassification based on statistical prior probability.

Color Diagnostics, LLC DBA Color Health
Classification: Uncertain significance for Hereditary cancer-predisposing syndrome. Last evaluated: 2020-01-15. Review status: criteria provided, single submitter. Criteria: ACMG Guidelines, 2015. Collection method: clinical testing. Allele origin: germline.
Comment: This missense variant replaces asparagine with threonine at codon 2051 of the BRCA2 protein. Computational prediction tool suggests that this variant may not impact protein structure and function (internally defined REVEL score threshold ≤0.5, PMID: 27666373). Splice site prediction tools suggest that this variant may not impact RNA splicing. To our knowledge, functional studies have not been performed for this variant. This variant has not been reported in individuals affected with hereditary cancer in the literature. This variant has not been identified in the general population by the Genome Aggregation Database (gnomAD). The available evidence is insufficient to determine the role of this variant in disease conclusively. Therefore, this variant is classified as a Variant of Uncertain Significance.